The following is an entry in ClinVar:

ClinVar aggregate classification (germline): Uncertain significance (1 of 4 stars; one submission).

Conditions:
Fetal akinesia deformation sequence 1 (FADS1). Also called: Fetal akinesia sequence; Pena-Shokeir syndrome type I. Identifiers: Orphanet 994, MedGen C1276035, MONDO:0100101, OMIM 208150, HP:0001989.
Congenital myasthenic syndrome 10. Also called: Myasthenia, limb-girdle, familial. Identifiers: Orphanet 590, MedGen C1850792, MONDO:0009690, OMIM 254300.

Allele frequency attached by ClinVar (database versions not stated): gnomAD 0.00001; TOPMed 0.00002.
gnomAD v4.1: 4 of 1,579,726 alleles (0.00025%); highest among the groups gnomAD compares: East Asian, 0.0023%; no homozygotes.

Submission:

Labcorp Genetics (formerly Invitae), Labcorp
Classification: Uncertain significance for Congenital myasthenic syndrome 10; Fetal akinesia deformation sequence 1. Last evaluated: 2022-06-10. Review status: criteria provided, single submitter. Criteria: Invitae Variant Classification Sherloc (09022015). Collection method: clinical testing. Allele origin: germline.
Comment: This sequence change replaces tyrosine, which is neutral and polar, with cysteine, which is neutral and slightly polar, at codon 106 of the DOK7 protein (p.Tyr106Cys). This variant is present in population databases (no rsID available, gnomAD 0.001%). This variant has not been reported in the literature in individuals affected with DOK7-related conditions. Algorithms developed to predict the effect of missense changes on protein structure and function are either unavailable or do not agree on the potential impact of this missense change (SIFT: "Deleterious"; PolyPhen-2: "Possibly Damaging"; Align-GVGD: "Class C0"). Algorithms developed to predict the effect of sequence changes on RNA splicing suggest that this variant may create or strengthen a splice site. In summary, the available evidence is currently insufficient to determine the role of this variant in disease. Therefore, it has been classified as a Variant of Uncertain Significance.

NM_173660.5(DOK7):c.317A>G (p.Tyr106Cys)

Gene: DOK7 (docking protein 7; plus strand). Cytogenetic location: 4p16.3.
Variant type: single nucleotide variant.
Coding change: c.317A>G on transcript NM_173660.5 (MANE Select); coding-DNA position 317, A replaced by G.
Protein change: p.Tyr106Cys; replaces tyrosine 106 with cysteine.
Molecular consequence: missense variant. On other transcripts: intron variant (1).
Genome position (GRCh38, 1-based): chr4:3,473,622, A>G. VCF-style: chr4-3473622-A-G. GRCh37 (hg19) VCF-style: chr4-3475349-A-G.
Other names: c.317A>G, p.Tyr106Cys (NM_001164673.2, NM_001301071.2); c.100+10071A>G (NM_001363811.2); short protein forms Y106C.
Identifiers: ClinVar variation 2076098 (VCV002076098.1), dbSNP rs995774916, ClinGen allele CA91529094.
Genomic context (GRCh38, chr4:3,473,622, plus strand): 5'-CCATCATGCTGGGCTTTGACAGCCACGAGGCCATGTGTGCGTGGGATGCCCGGATCCGCT[A>G]TGCGCTCGGCGAGGGTGAGTGACGGGGGCCGGGGCCGGGCGGGGGCTCCCCGTTCAGGTG-3'
Protein context (NP_775931.3, residues 96-116): AMCAWDARIR[Tyr106Cys]ALGEVHRFHV